The following is an entry in ClinVar:

NM_003036.4(SKI):c.1265C>A (p.Ala422Glu)

Gene: SKI (SKI proto-oncogene; plus strand). Cytogenetic location: 1p36.32.
Variant type: single nucleotide variant.
Coding change: c.1265C>A on transcript NM_003036.4 (MANE Select); coding-DNA position 1265, C replaced by A.
Protein change: p.Ala422Glu; replaces alanine 422 with glutamic acid.
Molecular consequence: missense variant.
Genome position (GRCh38, 1-based): chr1:2,303,893, C>A. VCF-style: chr1-2303893-C-A. GRCh37 (hg19) VCF-style: chr1-2235332-C-A.
Other names: short protein forms A422E.
Identifiers: ClinVar variation 3954898 (VCV003954898.3).

ClinVar aggregate classification (germline): Conflicting classifications of pathogenicity. Review status: criteria provided, conflicting classifications (1 of 4 stars). 2 submissions from 2 submitters: Uncertain significance (1); Likely benign (1). Last evaluated 2025-12-24.

Conditions:
Familial thoracic aortic aneurysm and aortic dissection (TAAD). Also called: Thoracic aortic aneurysms and dissections. Identifiers: Orphanet 91387, MedGen C4707243, MONDO:0019625.

gnomAD v4.1: 4 of 1,612,344 alleles (0.00025%); highest among the groups gnomAD compares: Non-Finnish European, 0.00025%; no homozygotes.

Submissions (2):

Ambry Genetics
Classification: Uncertain significance for Familial thoracic aortic aneurysm and aortic dissection. Last evaluated: 2025-12-24. Review status: criteria provided, single submitter. Criteria: Ambry Variant Classification Scheme 2023. Collection method: clinical testing. Allele origin: germline.
Comment: The p.A422E variant (also known as c.1265C>A), located in coding exon 4 of the SKI gene, results from a C to A substitution at nucleotide position 1265. The alanine at codon 422 is replaced by glutamic acid, an amino acid with dissimilar properties. This amino acid position is conserved. In addition, the in silico prediction for this alteration is inconclusive. Based on the available evidence, the clinical significance of this variant remains unclear.

Blueprint Genetics
Classification: Likely benign. Last evaluated: 2020-04-27. Review status: criteria provided, single submitter. Criteria: ACMG Guidelines, 2015. Collection method: clinical testing. Allele origin: germline.